The following is an entry in ClinVar:

NM_002474.3(MYH11):c.1833C>T (p.Ser611=)

Gene: MYH11 (myosin heavy chain 11; minus strand). Cytogenetic location: 16p13.11.
Variant type: single nucleotide variant.
Coding change: c.1833C>T on transcript NM_002474.3 (MANE Select); coding-DNA position 1833, C replaced by T.
Protein change: p.Ser611=; no amino-acid change (serine 611 retained).
Molecular consequence: synonymous variant.
Genome position (GRCh38, 1-based): chr16:15,753,425, G>A on the plus strand (C>T on the coding strand, the complement: MYH11 is on the minus strand). VCF-style: chr16-15753425-G-A. GRCh37 (hg19) VCF-style: chr16-15847282-G-A.
Other names: c.1854C>T, p.Ser618= (NM_001040113.2, NM_001040114.2); c.1833C>T, p.Ser611= (NM_022844.3).
Identifiers: ClinVar variation 703168 (VCV000703168.15), dbSNP rs990109247, ClinGen allele CA278640642.

ClinVar aggregate classification (germline): Likely benign. Review status: criteria provided, multiple submitters, no conflicts (2 of 4 stars). 4 submissions from 4 submitters: Likely benign (4). Last evaluated 2025-02-12.

Conditions:
Aortic aneurysm, familial thoracic 4 (AAT4). Also called: AORTIC ANEURYSM/AORTIC DISSECTION AND PATENT DUCTUS ARTERIOSUS. Identifiers: MedGen C1851504, MONDO:0007568, OMIM 132900.
Familial thoracic aortic aneurysm and aortic dissection (TAAD). Also called: Thoracic aortic aneurysms and dissections. Identifiers: Orphanet 91387, MedGen C4707243, MONDO:0019625.

Allele frequency attached by ClinVar (database versions not stated): TOPMed below 0.00001; gnomAD exomes 0.00001.
gnomAD v4.1: 25 of 1,614,104 alleles (0.0015%); highest among the groups gnomAD compares: South Asian, 0.0033%; no homozygotes.

Submissions (4):

Labcorp Genetics (formerly Invitae), Labcorp
Classification: Likely benign for Aortic aneurysm, familial thoracic 4. Last evaluated: 2025-02-12. Review status: criteria provided, single submitter. Criteria: Invitae Variant Classification Sherloc (09022015). Collection method: clinical testing. Allele origin: germline.

All of Us Research Program, National Institutes of Health
Classification: Likely benign for Familial thoracic aortic aneurysm and aortic dissection. Last evaluated: 2023-08-15. Review status: criteria provided, single submitter. Criteria: ACMG Guidelines, 2015. Collection method: clinical testing. Allele origin: germline. Inheritance: Autosomal dominant inheritance. Observed: 2 variant alleles, 2 heterozygotes.
Comment: This study involves interpretation of variants in research participants for the purpose of population health screening. Participant phenotype was not available at the time of variant classification. Additional details can be found in publication PMID: 35346344, PMCID: PMC8962531

Ambry Genetics
Classification: Likely benign for Familial thoracic aortic aneurysm and aortic dissection. Last evaluated: 2021-07-27. Review status: criteria provided, single submitter. Criteria: Ambry Variant Classification Scheme 2023. Collection method: clinical testing. Allele origin: germline.

Color Diagnostics, LLC DBA Color Health
Classification: Likely benign for Familial thoracic aortic aneurysm and aortic dissection. Last evaluated: 2018-12-01. Review status: criteria provided, single submitter. Criteria: ACMG Guidelines, 2015. Collection method: clinical testing. Allele origin: germline.